The following is an entry in ClinVar:

NM_013372.7(GREM1):c.290A>G (p.Gln97Arg)

Gene: GREM1 (gremlin 1, DAN family BMP antagonist; plus strand). Cytogenetic location: 15q13.3.
Variant type: single nucleotide variant.
Coding change: c.290A>G on transcript NM_013372.7 (MANE Select); coding-DNA position 290, A replaced by G.
Protein change: p.Gln97Arg; replaces glutamine 97 with arginine.
Molecular consequence: missense variant.
Genome position (GRCh38, 1-based): chr15:32,730,980, A>G. VCF-style: chr15-32730980-A-G. GRCh37 (hg19) VCF-style: chr15-33023181-A-G.
Other names: c.80A>G, p.Gln27Arg (NM_001191322.2); c.167A>G, p.Gln56Arg (NM_001191323.2); c.290A>G, p.Gln97Arg (NM_001368719.1); short protein forms Q27R, Q56R, Q97R.
Identifiers: ClinVar variation 2566720 (VCV002566720.2), dbSNP rs2548707760, ClinGen allele CA391557611.

ClinVar aggregate classification (germline): Uncertain significance (1 of 4 stars; one submission).

Conditions:
Hereditary cancer-predisposing syndrome. Also called: Hereditary neoplastic syndrome; Hereditary Cancer Syndrome; Neoplastic Syndromes, Hereditary; Tumor predisposition. Identifiers: Orphanet 140162, MedGen C0027672, MeSH D009386, MONDO:0015356.

Allele frequency attached by ClinVar (database versions not stated): gnomAD exomes below 0.00001.
gnomAD v4.1: 6 of 1,614,224 alleles (0.00037%); highest among the groups gnomAD compares: Non-Finnish European, 0.00042%; no homozygotes.

Submission:

Ambry Genetics
Classification: Uncertain significance for Hereditary cancer-predisposing syndrome. Last evaluated: 2023-04-23. Review status: criteria provided, single submitter. Criteria: Ambry Variant Classification Scheme 2023. Collection method: clinical testing. Allele origin: germline.
Comment: The p.Q97R variant (also known as c.290A>G), located in coding exon 1 of the GREM1 gene, results from an A to G substitution at nucleotide position 290. The glutamine at codon 97 is replaced by arginine, an amino acid with highly similar properties. This amino acid position is conserved. In addition, the in silico prediction for this alteration is inconclusive. Since supporting evidence is limited at this time, the clinical significance of this alteration remains unclear.